The following is an entry in ClinVar:

NM_177438.3(DICER1):c.1702A>G (p.Lys568Glu)

Gene: DICER1 (dicer 1, ribonuclease III; minus strand). Cytogenetic location: 14q32.13.
Variant type: single nucleotide variant.
Coding change: c.1702A>G on transcript NM_177438.3 (MANE Select); coding-DNA position 1702, A replaced by G.
Protein change: p.Lys568Glu; replaces lysine 568 with glutamic acid.
Molecular consequence: missense variant. On other transcripts: non-coding transcript variant (6).
Genome position (GRCh38, 1-based): chr14:95,116,503, T>C on the plus strand (A>G on the coding strand, the complement: DICER1 is on the minus strand). VCF-style: chr14-95116503-T-C. GRCh37 (hg19) VCF-style: chr14-95582840-T-C.
Other names: c.1702A>G, p.Lys568Glu (NM_001195573.1, NM_001271282.3, NM_001291628.2 and 12 more transcripts); c.1420A>G, p.Lys474Glu (NM_001395686.1); c.1297A>G, p.Lys433Glu (NM_001395687.1, NM_001395688.1, NM_001395689.1 and 3 more transcripts); c.1135A>G, p.Lys379Glu (NM_001395691.1); c.19A>G, p.Lys7Glu (NM_001395697.1); short protein forms K379E, K433E, K568E, K474E, K7E.
Identifiers: ClinVar variation 3840056 (VCV003840056.1).

ClinVar aggregate classification (germline): Uncertain significance (1 of 4 stars; one submission).

Conditions:
Hereditary cancer-predisposing syndrome. Also called: Hereditary neoplastic syndrome; Neoplastic Syndromes, Hereditary; Tumor predisposition; Hereditary Cancer Syndrome. Identifiers: Orphanet 140162, MedGen C0027672, MeSH D009386, MONDO:0015356.

Submission:

Ambry Genetics
Classification: Uncertain significance for Hereditary cancer-predisposing syndrome. Last evaluated: 2025-03-07. Review status: criteria provided, single submitter. Criteria: Ambry Variant Classification Scheme 2023. Collection method: clinical testing. Allele origin: germline.
Comment: The p.K568E variant (also known as c.1702A>G), located in coding exon 9 of the DICER1 gene, results from an A to G substitution at nucleotide position 1702. The lysine at codon 568 is replaced by glutamic acid, an amino acid with similar properties. This amino acid position is conserved. In addition, this alteration is predicted to be tolerated by in silico analysis. Based on the available evidence, the clinical significance of this variant remains unclear.